The following is an entry in ClinVar:

NM_021072.4(HCN1):c.2445_2447dup (p.Pro816_Gln817insPro)

Gene: HCN1 (hyperpolarization activated cyclic nucleotide gated potassium channel 1; minus strand). Cytogenetic location: 5p12.
Variant type: Duplication.
Coding change: c.2445_2447dup on transcript NM_021072.4 (MANE Select); coding-DNA positions 2445 to 2447, 3 bases duplicated (CCC; older notation c.2445_2447dupCCC).
Protein change: p.Pro816_Gln817insPro.
Molecular consequence: inframe insertion.
Genome position (GRCh38, 1-based): chr5:45,262,147-45,262,149, GGG duplicated on the plus strand (CCC on the coding strand, the reverse complement: HCN1 is on the minus strand). VCF-style (leftmost placement, unchanged base first): chr5-45262146-A-AGGG. GRCh37 (hg19) VCF-style: chr5-45262248-A-AGGG.
Identifiers: ClinVar variation 2709117 (VCV002709117.3), dbSNP rs2478181402, ClinGen allele CA2578304938.

ClinVar aggregate classification (germline): Uncertain significance (1 of 4 stars; one submission).

Conditions:
Early-infantile DEE. Also called: Early infantile epileptic encephalopathy with suppression bursts; Early infantile epileptic encephalopathy; Ohtahara syndrome. Identifiers: Orphanet 1934, MedGen C0393706, MONDO:0800491.

Submission:

Labcorp Genetics (formerly Invitae), Labcorp
Classification: Uncertain significance for Early-infantile DEE. Last evaluated: 2024-01-12. Review status: criteria provided, single submitter. Criteria: Invitae Variant Classification Sherloc (09022015). Collection method: clinical testing. Allele origin: germline.
Comment: This variant, c.2445_2447dup, results in the insertion of 1 amino acid(s) of the HCN1 protein (p.Pro816dup), but otherwise preserves the integrity of the reading frame. This variant is not present in population databases (gnomAD no frequency). This variant has not been reported in the literature in individuals affected with HCN1-related conditions. In summary, the available evidence is currently insufficient to determine the role of this variant in disease. Therefore, it has been classified as a Variant of Uncertain Significance.